The following is an entry in ClinVar:

ClinVar aggregate classification (germline): Conflicting classifications of pathogenicity. Review status: criteria provided, conflicting classifications (1 of 4 stars). 4 submissions from 4 submitters: Pathogenic (1); Likely pathogenic (2); Uncertain significance (1). Last evaluated 2026-01-20.

Conditions:
Hereditary cancer-predisposing syndrome. Also called: Tumor predisposition; Neoplastic Syndromes, Hereditary; Hereditary neoplastic syndrome; Hereditary Cancer Syndrome. Identifiers: Orphanet 140162, MedGen C0027672, MeSH D009386, MONDO:0015356.
Familial cancer of breast. Also called: Hereditary breast cancer; BREAST CANCER, FAMILIAL; hereditary breast carcinoma. Identifiers: Orphanet 227535, MedGen C0346153, MONDO:0016419, OMIM 114480. Disease mechanism: loss of function.
Malignant tumor of breast. Also called: Malignant breast neoplasm; Cancer breast. Identifiers: MedGen C0006142, MONDO:0007254. Disease mechanism: loss of function.

Submissions (4):

Labcorp Genetics (formerly Invitae), Labcorp
Classification: Pathogenic for Familial cancer of breast. Last evaluated: 2026-01-20. Review status: criteria provided, single submitter. Criteria: Invitae Variant Classification Sherloc (09022015). Collection method: clinical testing. Allele origin: germline.
Comment: This sequence change falls in intron 7 of the BARD1 gene. It does not directly change the encoded amino acid sequence of the BARD1 protein. RNA analysis indicates that this variant induces altered splicing and may result in an absent or altered protein product. This variant is not present in population databases (gnomAD no frequency). This variant has not been reported in the literature in individuals affected with BARD1-related conditions. ClinVar contains an entry for this variant (Variation ID: 917574). Variants that disrupt the consensus splice site are a relatively common cause of aberrant splicing (PMID: 17576681, 9536098). Studies have shown that this variant results in skipping of exon 8, and produces a non-functional protein and/or introduces a premature termination codon (internal data). For these reasons, this variant has been classified as Pathogenic.

Ambry Genetics
Classification: Likely pathogenic for Hereditary cancer-predisposing syndrome. Last evaluated: 2025-08-05. Review status: criteria provided, single submitter. Criteria: Ambry Variant Classification Scheme 2023. Collection method: clinical testing. Allele origin: germline.
Comment: The c.1678-3C>G intronic variant results from a C to G substitution 3 nucleotides upstream from coding exon 8 in the BARD1 gene. This nucleotide position is well conserved in available vertebrate species. In silico splice site analysis predicts that this alteration will weaken the native splice acceptor site. Internal RNA studies showed abnormal splicing in the set of samples tested (Ambry internal data). This variant is considered to be rare based on population cohorts in the Genome Aggregation Database (gnomAD). Based on the majority of available evidence to date, this variant is likely to be pathogenic.

Women's Health and Genetics/Laboratory Corporation of America, LabCorp
Classification: Likely pathogenic for Malignant tumor of breast. Last evaluated: 2024-12-24. Review status: criteria provided, single submitter. Criteria: LabCorp Variant Classification Summary - May 2015. Collection method: clinical testing. Allele origin: germline.
Comment: Variant summary: BARD1 c.1678-3C>G alters a nucleotide located close to a canonical splice site and therefore could affect mRNA splicing, leading to a significantly altered protein sequence. Several computational tools predict a significant impact on normal splicing: Three predict the variant abolishes the canonical 3' splicing acceptor site. One predict the variant weakens the canonical 3' splicing acceptor site. Internal RNA analysis provides experimental evidence that this variant affects mRNA splicing resulting in the skipping of exon 8 and produces a non-functional protein and/or introduces a premature termination codon (r.1678_1810del ). The variant was absent in 251278 control chromosomes. To our knowledge, no occurrence of c.1678-3C>G in individuals affected with Breast Cancer has been reported. ClinVar contains an entry for this variant (Variation ID: 917574). Based on the evidence outlined above, the variant was classified as likely pathogenic.

Blueprint Genetics
Classification: Uncertain significance. Last evaluated: 2023-11-09. Review status: criteria provided, single submitter. Criteria: ACMG Guidelines, 2015. Collection method: clinical testing. Allele origin: germline.

Literature cited by the submitters: PubMed 17576681 (cited by Labcorp Genetics (formerly Invitae), Labcorp); PubMed 9536098 (cited by Labcorp Genetics (formerly Invitae), Labcorp).

NM_000465.4(BARD1):c.1678-3C>G

Gene: BARD1 (BRCA1 associated RING domain 1; minus strand). Cytogenetic location: 2q35.
Variant type: single nucleotide variant.
Coding change: c.1678-3C>G on transcript NM_000465.4 (MANE Select); 3 bases into the intron before coding-DNA position 1678, C replaced by G.
Molecular consequence: intron variant.
Genome position (GRCh38, 1-based): chr2:214,745,857, G>C on the plus strand (C>G on the coding strand, the complement: BARD1 is on the minus strand). VCF-style: chr2-214745857-G-C. GRCh37 (hg19) VCF-style: chr2-215610581-G-C.
Other names: c.268-3C>G (NM_001282548.2); c.1621-3C>G (NM_001282543.2); c.325-3C>G (NM_001282545.2); c.365-15349C>G (NM_001282549.2).
Identifiers: ClinVar variation 917574 (VCV000917574.14), dbSNP rs1693089932, ClinGen allele CA1139657675.